The following is an entry in ClinVar:

NM_001458.5(FLNC):c.1209G>A (p.Ala403=)

Gene: FLNC (filamin C; plus strand). Cytogenetic location: 7q32.1.
Variant type: single nucleotide variant.
Coding change: c.1209G>A on transcript NM_001458.5 (MANE Select); coding-DNA position 1209, G replaced by A.
Protein change: p.Ala403=; no amino-acid change (alanine 403 retained).
Molecular consequence: synonymous variant.
Genome position (GRCh38, 1-based): chr7:128,838,428, G>A. VCF-style: chr7-128838428-G-A. GRCh37 (hg19) VCF-style: chr7-128478482-G-A.
Other names: c.1209G>A, p.Ala403= (NM_001127487.2).
Identifiers: ClinVar variation 1045022 (VCV001045022.12), dbSNP rs746938160, ClinGen allele CA4474259.
Genomic context (GRCh38, chr7:128,838,428, plus strand): 5'-TGGCCTGGAACCTGTGGGCAATGTGGCCAACAAACCCACCTACTTTGACATCTACACTGC[G>A]GGTAGGACGGGCCCCAGGGGGTGCAGGTGGAAAGCCCCTGACCATGTGGGGCTGTGTGGG-3'
Protein context (NP_001449.3, residues 393-413): NKPTYFDIYT[Ala403=]GAGTGDVAVV

ClinVar aggregate classification (germline): Conflicting classifications of pathogenicity. Review status: criteria provided, conflicting classifications (1 of 4 stars). 3 submissions from 3 submitters: Uncertain significance (1); Benign (1); Likely benign (1). Last evaluated 2025-05-17.

Conditions:
Cardiovascular phenotype. Identifiers: MedGen CN230736.
Myofibrillar myopathy 5. Also called: Filaminopathy (type); FILAMINOPATHY, AUTOSOMAL DOMINANT. Identifiers: Orphanet 171445, MedGen C1836050, MONDO:0012289, OMIM 609524.
Distal myopathy with posterior leg and anterior hand involvement. Also called: WILLIAMS DISTAL MYOPATHY. Identifiers: Orphanet 63273, MedGen C3279722, MONDO:0013550, OMIM 614065.
Hypertrophic cardiomyopathy 26. Also called: Cardiomyopathy, familial hypertrophic, 26. Identifiers: Orphanet 75249, MedGen C4310749, MONDO:0014883, OMIM 617047.

Allele frequency attached by ClinVar (database versions not stated): ExAC 0.00001; TOPMed 0.00001; gnomAD 0.00002; gnomAD exomes 0.00004.
gnomAD v4.1: 11 of 1,613,710 alleles (0.00068%); highest among the groups gnomAD compares: Admixed American, 0.017%; no homozygotes.

Submissions (3):

Labcorp Genetics (formerly Invitae), Labcorp
Classification: Uncertain significance for Distal myopathy with posterior leg and anterior hand involvement; Myofibrillar myopathy 5; Hypertrophic cardiomyopathy 26. Last evaluated: 2025-05-17. Review status: criteria provided, single submitter. Criteria: Invitae Variant Classification Sherloc (09022015). Collection method: clinical testing. Allele origin: germline.
Comment: This sequence change affects codon 403 of the FLNC mRNA. It is a 'silent' change, meaning that it does not change the encoded amino acid sequence of the FLNC protein. It affects a nucleotide within the consensus splice site. This variant is present in population databases (rs746938160, gnomAD 0.03%). This variant has not been reported in the literature in individuals affected with FLNC-related conditions. ClinVar contains an entry for this variant (Variation ID: 1045022). Algorithms developed to predict the effect of sequence changes on RNA splicing suggest that this variant is not likely to affect RNA splicing. In summary, the available evidence is currently insufficient to determine the role of this variant in disease. Therefore, it has been classified as a Variant of Uncertain Significance.

Women's Health and Genetics/Laboratory Corporation of America, LabCorp
Classification: Benign. Last evaluated: 2024-01-08. Review status: criteria provided, single submitter. Criteria: LabCorp Variant Classification Summary - May 2015. Collection method: clinical testing. Allele origin: germline.

Ambry Genetics
Classification: Likely benign for Cardiovascular phenotype. Last evaluated: 2022-04-29. Review status: criteria provided, single submitter. Criteria: Ambry Variant Classification Scheme 2023. Collection method: clinical testing. Allele origin: germline.